The following is an entry in ClinVar:

NM_000245.4(MET):c.1087T>C (p.Cys363Arg)

Gene: MET (MET proto-oncogene, receptor tyrosine kinase; plus strand). Cytogenetic location: 7q31.2.
Variant type: single nucleotide variant.
Coding change: c.1087T>C on transcript NM_000245.4 (MANE Select); coding-DNA position 1087, T replaced by C.
Protein change: p.Cys363Arg; replaces cysteine 363 with arginine.
Molecular consequence: missense variant. On other transcripts: intron variant (1).
Genome position (GRCh38, 1-based): chr7:116,700,171, T>C. VCF-style: chr7-116700171-T-C. GRCh37 (hg19) VCF-style: chr7-116340225-T-C.
Other names: c.1087T>C, p.Cys363Arg (NM_001127500.3, NM_001324401.3); c.-91+27594T>C (NM_001324402.2); short protein forms C363R.
Identifiers: ClinVar variation 2806747 (VCV002806747.3), dbSNP rs2116605201, ClinGen allele CA368970505.
Genomic context (GRCh38, chr7:116,700,171, plus strand): 5'-TTCGGGGTGTTCGCACAAAGCAAGCCAGATTCTGCCGAACCAATGGATCGATCTGCCATG[T>C]GTGCATTCCCTATCAAATATGTCAACGACTTCTTCAACAAGATCGTCAACAAAAACAATG-3'
Protein context (NP_000236.2, residues 353-373): SAEPMDRSAM[Cys363Arg]AFPIKYVNDF

ClinVar aggregate classification (germline): Uncertain significance (1 of 4 stars; one submission).

Conditions:
Renal cell carcinoma. Identifiers: Orphanet 217071, MedGen C0007134, MeSH D002292, MONDO:0005086, HP:0005584.

Submission:

Labcorp Genetics (formerly Invitae), Labcorp
Classification: Uncertain significance for Renal cell carcinoma. Last evaluated: 2023-12-01. Review status: criteria provided, single submitter. Criteria: Invitae Variant Classification Sherloc (09022015). Collection method: clinical testing. Allele origin: germline.
Comment: This sequence change replaces cysteine, which is neutral and slightly polar, with arginine, which is basic and polar, at codon 363 of the MET protein (p.Cys363Arg). This variant is not present in population databases (gnomAD no frequency). This variant has not been reported in the literature in individuals affected with MET-related conditions. Advanced modeling of protein sequence and biophysical properties (such as structural, functional, and spatial information, amino acid conservation, physicochemical variation, residue mobility, and thermodynamic stability) performed at Invitae indicates that this missense variant is expected to disrupt MET protein function with a positive predictive value of 80%. In summary, the available evidence is currently insufficient to determine the role of this variant in disease. Therefore, it has been classified as a Variant of Uncertain Significance.